The following is an entry in ClinVar:

NM_000057.4(BLM):c.1214A>T (p.Asn405Ile)

Gene: BLM (BLM RecQ like helicase; plus strand). Cytogenetic location: 15q26.1.
Variant type: single nucleotide variant.
Coding change: c.1214A>T on transcript NM_000057.4 (MANE Select); coding-DNA position 1214, A replaced by T.
Protein change: p.Asn405Ile; replaces asparagine 405 with isoleucine.
Molecular consequence: missense variant.
Genome position (GRCh38, 1-based): chr15:90,760,273, A>T. VCF-style: chr15-90760273-A-T. GRCh37 (hg19) VCF-style: chr15-91303503-A-T.
Other names: c.1214A>T, p.Asn405Ile (NM_001287246.2, NM_001287247.2); c.89A>T, p.Asn30Ile (NM_001287248.2); short protein forms N30I, N405I.
Identifiers: ClinVar variation 1751118 (VCV001751118.2), dbSNP rs752223894, ClinGen allele CA274737847.

ClinVar aggregate classification (germline): Uncertain significance (1 of 4 stars; one submission).

Conditions:
Hereditary cancer-predisposing syndrome. Also called: Hereditary Cancer Syndrome; Hereditary neoplastic syndrome; Neoplastic Syndromes, Hereditary; Tumor predisposition. Identifiers: Orphanet 140162, MedGen C0027672, MeSH D009386, MONDO:0015356.

gnomAD v4.1: 13 of 1,614,118 alleles (0.00081%); highest among the groups gnomAD compares: Non-Finnish European, 0.0011%; no homozygotes.

Submission:

Ambry Genetics
Classification: Uncertain significance for Hereditary cancer-predisposing syndrome. Last evaluated: 2024-02-04. Review status: criteria provided, single submitter. Criteria: Ambry Variant Classification Scheme 2023. Collection method: clinical testing. Allele origin: germline.
Comment: The p.N405I variant (also known as c.1214A>T), located in coding exon 5 of the BLM gene, results from an A to T substitution at nucleotide position 1214. The asparagine at codon 405 is replaced by isoleucine, an amino acid with dissimilar properties. This amino acid position is conserved. In addition, this alteration is predicted to be tolerated by in silico analysis. Since supporting evidence is limited at this time, the clinical significance of this alteration remains unclear.